The following is an entry in ClinVar:

ClinVar aggregate classification (germline): Uncertain significance (1 of 4 stars; one submission).

Conditions:
Epidermolysis bullosa simplex 3, localized or generalized intermediate, with BP230 deficiency (EBS3). Also called: Epidermolysis bullosa simplex due to BP230 deficiency; Epidermolysis bullosa simplex, autosomal recessive 2. Identifiers: Orphanet 412181, MedGen C3809470, MONDO:0014180, OMIM 615425.
Hereditary sensory and autonomic neuropathy type 6. Also called: HSAN VI; Neuropathy, hereditary sensory and autonomic, type VI. Identifiers: Orphanet 314381, MedGen C3539003, MONDO:0013839, OMIM 614653.

gnomAD v4.1: 3 of 1,613,304 alleles (0.00019%); highest among the groups gnomAD compares: Middle Eastern, 0.033%; no homozygotes.

Submission:

Labcorp Genetics (formerly Invitae), Labcorp
Classification: Uncertain significance for Epidermolysis bullosa simplex 3, localized or generalized intermediate, with BP230 deficiency; Hereditary sensory and autonomic neuropathy type 6. Last evaluated: 2024-04-15. Review status: criteria provided, single submitter. Criteria: Invitae Variant Classification Sherloc (09022015). Collection method: clinical testing. Allele origin: germline.
Comment: This sequence change falls in intron 9 of the DST gene. It does not directly change the encoded amino acid sequence of the DST protein. This variant is not present in population databases (gnomAD no frequency). This variant has not been reported in the literature in individuals affected with DST-related conditions. ClinVar contains an entry for this variant (Variation ID: 1350855). Algorithms developed to predict the effect of sequence changes on RNA splicing suggest that this variant may disrupt the consensus splice site. In summary, the available evidence is currently insufficient to determine the role of this variant in disease. Therefore, it has been classified as a Variant of Uncertain Significance.

NM_001374736.1(DST):c.3061-6C>A

Gene: DST (dystonin; minus strand). Cytogenetic location: 6p12.1.
Variant type: single nucleotide variant.
Coding change: c.3061-6C>A on transcript NM_001374736.1 (MANE Select); 6 bases into the intron before coding-DNA position 3061, C replaced by A.
Molecular consequence: intron variant.
Genome position (GRCh38, 1-based): chr6:56,635,720, G>T on the plus strand (C>A on the coding strand, the complement: DST is on the minus strand). VCF-style: chr6-56635720-G-T. GRCh37 (hg19) VCF-style: chr6-56500518-G-T.
Other names: c.2962-6C>A (NM_001144769.5); c.3061-6C>A (NM_001374722.1); c.3088-6C>A (NM_001374734.1); c.2548-6C>A (NM_001144770.2); c.2428-6C>A (NM_001374730.1, NM_001386100.1, NM_183380.4 and 1 more transcripts); c.1450-6C>A (NM_015548.5, NM_001723.7).
Identifiers: ClinVar variation 1350855 (VCV001350855.8), dbSNP rs753950967, ClinGen allele CA2573141071.